The following is an entry in ClinVar:

NM_001846.4(COL4A2):c.2820C>T (p.Pro940=)

Gene: COL4A2 (collagen type IV alpha 2 chain; plus strand). Cytogenetic location: 13q34.
Variant type: single nucleotide variant.
Coding change: c.2820C>T on transcript NM_001846.4 (MANE Select); coding-DNA position 2820, C replaced by T.
Protein change: p.Pro940=; no amino-acid change (proline 940 retained).
Molecular consequence: synonymous variant.
Genome position (GRCh38, 1-based): chr13:110,482,577, C>T. VCF-style: chr13-110482577-C-T. GRCh37 (hg19) VCF-style: chr13-111134924-C-T.
Identifiers: ClinVar variation 2065297 (VCV002065297.29), dbSNP rs374749394, ClinGen allele CA7050010.

ClinVar aggregate classification (germline): Benign/Likely benign. Review status: criteria provided, multiple submitters, no conflicts (2 of 4 stars). 3 submissions from 3 submitters: Benign (1); Likely benign (2). Last evaluated 2024-12-16.

Allele frequency attached by ClinVar (database versions not stated): gnomAD exomes 0.00005; TOPMed 0.00005; ESP Exome Variant Server 0.00008; gnomAD 0.00010; ExAC 0.00017; 1000 Genomes Project 30x 0.00047; 1000 Genomes Project 0.00060.
gnomAD v4.1: 96 of 1,614,144 alleles (0.0059%); highest among the groups gnomAD compares: South Asian, 0.046%; 1 homozygote.

Submissions (3):

Labcorp Genetics (formerly Invitae), Labcorp
Classification: Benign. Last evaluated: 2024-12-16. Review status: criteria provided, single submitter. Criteria: Invitae Variant Classification Sherloc (09022015). Collection method: clinical testing. Allele origin: germline.

Blueprint Genetics
Classification: Likely benign. Last evaluated: 2024-10-31. Review status: criteria provided, single submitter. Criteria: ACMG Guidelines, 2015. Collection method: clinical testing. Allele origin: germline.

CeGaT Center for Human Genetics Tuebingen
Classification: Likely benign. Last evaluated: 2024-09-01. Review status: criteria provided, single submitter. Criteria: CeGaT Center For Human Genetics Tuebingen Variant Classification Criteria Version 2. Collection method: clinical testing. Allele origin: germline. Affected: yes. Observed: 2 variant alleles.
Comment: COL4A2: BP4, BP7